The following is an entry in ClinVar:

ClinVar aggregate classification (germline): Pathogenic. Review status: criteria provided, multiple submitters, no conflicts (2 of 4 stars). 2 submissions from 2 submitters: Pathogenic (2). Last evaluated 2026-01-15.

Conditions:
Hereditary cancer-predisposing syndrome. Also called: Hereditary Cancer Syndrome; Tumor predisposition; Neoplastic Syndromes, Hereditary; Hereditary neoplastic syndrome. Identifiers: Orphanet 140162, MedGen C0027672, MeSH D009386, MONDO:0015356.
Birt-Hogg-Dube syndrome. Also called: Birt Hogg Dubé syndrome. Identifiers: Orphanet 122, MedGen C0346010, MONDO:0800444.

Submissions (2):

Ambry Genetics
Classification: Pathogenic for Hereditary cancer-predisposing syndrome. Last evaluated: 2026-01-15. Review status: criteria provided, single submitter. Criteria: Ambry Variant Classification Scheme 2023. Collection method: clinical testing. Allele origin: germline.
Comment: The p.Q31* pathogenic mutation (also known as c.91C>T), located in coding exon 1 of the FLCN gene, results from a C to T substitution at nucleotide position 91. This changes the amino acid from a glutamine to a stop codon within coding exon 1. This alteration is expected to result in loss of function by premature protein truncation or nonsense-mediated mRNA decay. This variant is considered to be rare based on population cohorts in the Genome Aggregation Database (gnomAD). As such, this alteration is interpreted as a disease-causing mutation.

Labcorp Genetics (formerly Invitae), Labcorp
Classification: Pathogenic for Birt-Hogg-Dube syndrome. Last evaluated: 2023-05-12. Review status: criteria provided, single submitter. Criteria: Invitae Variant Classification Sherloc (09022015). Collection method: clinical testing. Allele origin: germline.
Comment: This variant has not been reported in the literature in individuals affected with FLCN-related conditions. For these reasons, this variant has been classified as Pathogenic. ClinVar contains an entry for this variant (Variation ID: 823091). This variant is not present in population databases (gnomAD no frequency). This sequence change creates a premature translational stop signal (p.Gln31*) in the FLCN gene. It is expected to result in an absent or disrupted protein product. Loss-of-function variants in FLCN are known to be pathogenic (PMID: 15852235).

Literature cited by the submitters: PubMed 15852235 (cited by Labcorp Genetics (formerly Invitae), Labcorp).

NM_144997.7(FLCN):c.91C>T (p.Gln31Ter)

Gene: FLCN (folliculin; minus strand). Cytogenetic location: 17p11.2.
Variant type: single nucleotide variant.
Coding change: c.91C>T on transcript NM_144997.7 (MANE Select); coding-DNA position 91, C replaced by T.
Protein change: p.Gln31Ter; replaces glutamine 31 with a stop codon.
Molecular consequence: nonsense.
Genome position (GRCh38, 1-based): chr17:17,228,047, G>A on the plus strand (C>T on the coding strand, the complement: FLCN is on the minus strand). VCF-style: chr17-17228047-G-A. GRCh37 (hg19) VCF-style: chr17-17131361-G-A.
Other names: c.91C>T, p.Gln31Ter (NM_001353229.2, NM_001353230.2, NM_001353231.2 and 1 more transcripts); short protein forms Q31*.
Identifiers: ClinVar variation 823091 (VCV000823091.8), dbSNP rs1597618162, ClinGen allele CA398535352.